The following is an entry in ClinVar:

NM_014874.4(MFN2):c.142G>A (p.Ala48Thr)

Gene: MFN2 (mitofusin 2; plus strand). Cytogenetic location: 1p36.22.
Variant type: single nucleotide variant.
Coding change: c.142G>A on transcript NM_014874.4 (MANE Select); coding-DNA position 142, G replaced by A.
Protein change: p.Ala48Thr; replaces alanine 48 with threonine.
Molecular consequence: missense variant.
Genome position (GRCh38, 1-based): chr1:11,989,310, G>A. VCF-style: chr1-11989310-G-A. GRCh37 (hg19) VCF-style: chr1-12049367-G-A.
Other names: c.142G>A, p.Ala48Thr (NM_001127660.2); short protein forms A48T.
Identifiers: ClinVar variation 1720628 (VCV001720628.5), dbSNP rs766706650, ClinGen allele CA598743.

ClinVar aggregate classification (germline): Uncertain significance (1 of 4 stars; one submission).

Conditions:
Charcot-Marie-Tooth disease type 2. Also called: Charcot-Marie-Tooth type 2. Identifiers: Orphanet 64746, MedGen C0270914, MONDO:0018993.

Allele frequency attached by ClinVar (database versions not stated): gnomAD 0.00001; ExAC 0.00001.
gnomAD v4.1: 1 of 1,613,942 alleles (0.000062%); highest among the groups gnomAD compares: African/African-American, 0.0013%; no homozygotes.

Submission:

Labcorp Genetics (formerly Invitae), Labcorp
Classification: Uncertain significance for Charcot-Marie-Tooth disease type 2. Last evaluated: 2026-01-05. Review status: criteria provided, single submitter. Criteria: Invitae Variant Classification Sherloc (09022015). Collection method: clinical testing. Allele origin: germline.
Comment: This sequence change replaces alanine, which is neutral and non-polar, with threonine, which is neutral and polar, at codon 48 of the MFN2 protein (p.Ala48Thr). This variant is present in population databases (rs766706650, gnomAD 0.0009%). This variant has not been reported in the literature in individuals affected with MFN2-related conditions. ClinVar contains an entry for this variant (Variation ID: 1720628). Invitae Evidence Modeling of protein sequence and biophysical properties (such as structural, functional, and spatial information, amino acid conservation, physicochemical variation, residue mobility, and thermodynamic stability) indicates that this missense variant is not expected to disrupt MFN2 protein function with a negative predictive value of 80%. In summary, the available evidence is currently insufficient to determine the role of this variant in disease. Therefore, it has been classified as a Variant of Uncertain Significance.